The following is an entry in ClinVar:

NM_015346.4(ZFYVE26):c.2452C>T (p.His818Tyr)

Gene: ZFYVE26 (zinc finger FYVE-type containing 26; minus strand). Cytogenetic location: 14q24.1.
Variant type: single nucleotide variant.
Coding change: c.2452C>T on transcript NM_015346.4 (MANE Select); coding-DNA position 2452, C replaced by T.
Protein change: p.His818Tyr; replaces histidine 818 with tyrosine.
Molecular consequence: missense variant.
Genome position (GRCh38, 1-based): chr14:67,793,709, G>A on the plus strand (C>T on the coding strand, the complement: ZFYVE26 is on the minus strand). VCF-style: chr14-67793709-G-A. GRCh37 (hg19) VCF-style: chr14-68260426-G-A.
Other names: short protein forms H818Y.
Identifiers: ClinVar variation 1959425 (VCV001959425.5), dbSNP rs1566890132, ClinGen allele CA390174404.
Genomic context (GRCh38, chr14:67,793,709, plus strand): 5'-CCAGCAGTGACTCAGGTGGGGAGAACATCATGGGGATGAGTGAACTTTGAGGATGGGGGT[G>A]CAATCTACTGTGCAGCTCATTCCGGCCAGACATGGCACTCAGACTTCCCTCTGTTGGGAC-3'
Protein context (NP_056161.2, residues 808-828): SGRNELHSRL[His818Tyr]PHPQSSLIPM

ClinVar aggregate classification (germline): Uncertain significance (1 of 4 stars; one submission).

Conditions:
Spastic paraplegia. Identifiers: MedGen C0037772, HP:0001258.

Allele frequency attached by ClinVar (database versions not stated): gnomAD exomes below 0.00001.
gnomAD v4.1: 1 of 1,613,922 alleles (0.000062%); highest among the groups gnomAD compares: Non-Finnish European, 0.000085%; no homozygotes.

Submission:

Labcorp Genetics (formerly Invitae), Labcorp
Classification: Uncertain significance for Spastic paraplegia. Last evaluated: 2026-01-12. Review status: criteria provided, single submitter. Criteria: Invitae Variant Classification Sherloc (09022015). Collection method: clinical testing. Allele origin: germline.
Comment: This sequence change replaces histidine, which is basic and polar, with tyrosine, which is neutral and polar, at codon 818 of the ZFYVE26 protein (p.His818Tyr). This variant is not present in population databases (gnomAD no frequency). This variant has not been reported in the literature in individuals affected with ZFYVE26-related conditions. ClinVar contains an entry for this variant (Variation ID: 1959425). An algorithm developed to predict the effect of missense changes on protein structure and function (PolyPhen-2) suggests that this variant is likely to be tolerated. In summary, the available evidence is currently insufficient to determine the role of this variant in disease. Therefore, it has been classified as a Variant of Uncertain Significance.